The following is an entry in ClinVar:

ClinVar aggregate classification (germline): Uncertain significance (1 of 4 stars; one submission).

Conditions:
Inborn genetic diseases. Identifiers: MedGen C0950123, MeSH D030342.

gnomAD v4.1: 3 of 1,613,990 alleles (0.00019%); highest among the groups gnomAD compares: Non-Finnish European, 0.00025%; no homozygotes.

Submission:

Ambry Genetics
Classification: Uncertain significance for Inborn genetic diseases. Last evaluated: 2026-02-17. Review status: criteria provided, single submitter. Criteria: Ambry Variant Classification Scheme 2023. Collection method: clinical testing. Allele origin: germline.
Comment: The p.P1319T variant (also known as c.3955C>A), located in coding exon 13 of the ASXL1 gene, results from a C to A substitution at nucleotide position 3955. The proline at codon 1319 is replaced by threonine, an amino acid with highly similar properties. This amino acid position is conserved. In addition, this alteration is predicted to be tolerated by in silico analysis. Based on the available evidence, the clinical significance of this variant remains unclear.

NM_015338.6(ASXL1):c.3955C>A (p.Pro1319Thr)

Gene: ASXL1 (ASXL transcriptional regulator 1; plus strand). Cytogenetic location: 20q11.21.
Variant type: single nucleotide variant.
Coding change: c.3955C>A on transcript NM_015338.6 (MANE Select); coding-DNA position 3955, C replaced by A.
Protein change: p.Pro1319Thr; replaces proline 1319 with threonine.
Molecular consequence: missense variant.
Genome position (GRCh38, 1-based): chr20:32,436,667, C>A. VCF-style: chr20-32436667-C-A. GRCh37 (hg19) VCF-style: chr20-31024470-C-A.
Other names: c.3772C>A, p.Pro1258Thr (NM_001363734.1); short protein forms P1319T, P1258T.
Identifiers: ClinVar variation 4825238 (VCV004825238.1).